The following is an entry in ClinVar:

NM_001211.6(BUB1B):c.464A>G (p.Tyr155Cys)

Gene: BUB1B (BUB1 mitotic checkpoint serine/threonine kinase B; plus strand). Cytogenetic location: 15q15.1.
Variant type: single nucleotide variant.
Coding change: c.464A>G on transcript NM_001211.6 (MANE Select); coding-DNA position 464, A replaced by G.
Protein change: p.Tyr155Cys; replaces tyrosine 155 with cysteine.
Molecular consequence: missense variant.
Genome position (GRCh38, 1-based): chr15:40,176,556, A>G. VCF-style: chr15-40176556-A-G. GRCh37 (hg19) VCF-style: chr15-40468757-A-G.
Other names: short protein forms Y155C.
Identifiers: ClinVar variation 840920 (VCV000840920.49), dbSNP rs764923350, ClinGen allele CA7475490.

ClinVar aggregate classification (germline): Uncertain significance. Review status: criteria provided, multiple submitters, no conflicts (2 of 4 stars). 3 submissions from 3 submitters: Uncertain significance (3). Last evaluated 2026-01-20.

Conditions:
Mosaic variegated aneuploidy syndrome 1 (MVA1). Also called: Warburton-Anyane-Yeboa syndrome. Identifiers: Orphanet 1052, MedGen C1850343, MONDO:0009759, OMIM 257300.
Premature chromatid separation trait (PCS). Also called: TOTAL PREMATURE CHROMATID SEPARATION TRAIT. Identifiers: MedGen C1864389, MONDO:0008304, OMIM 176430.
Colorectal cancer. Also called: Malignant Colorectal Neoplasm; Colorectal cancer, somatic. Identifiers: MedGen C0346629, MONDO:0005575, OMIM 114500.

Allele frequency attached by ClinVar (database versions not stated): ExAC 0.00002; gnomAD exomes 0.00003 and 0.00006; gnomAD 0.00005 and 0.00006; TOPMed 0.00006.
gnomAD v4.1: 89 of 1,614,022 alleles (0.0055%); highest among the groups gnomAD compares: Non-Finnish European, 0.0068%; no homozygotes.

Submissions (3):

Labcorp Genetics (formerly Invitae), Labcorp
Classification: Uncertain significance for Mosaic variegated aneuploidy syndrome 1. Last evaluated: 2026-01-20. Review status: criteria provided, single submitter. Criteria: Invitae Variant Classification Sherloc (09022015). Collection method: clinical testing. Allele origin: germline.
Comment: This sequence change replaces tyrosine, which is neutral and polar, with cysteine, which is neutral and slightly polar, at codon 155 of the BUB1B protein (p.Tyr155Cys). This variant is present in population databases (rs764923350, gnomAD 0.009%). This missense change has been observed in individual(s) with mosaic variegated aneuploidy, kidney cancer (PMID: 20516114, 34308104). In at least one individual the data is consistent with being in trans (on the opposite chromosome) from a pathogenic variant. ClinVar contains an entry for this variant (Variation ID: 840920). An algorithm developed to predict the effect of missense changes on protein structure and function (PolyPhen-2) suggests that this variant is likely to be disruptive. Experimental studies are conflicting or provide insufficient evidence to determine the effect of this variant on BUB1B function (PMID: 20516114). In summary, the available evidence is currently insufficient to determine the role of this variant in disease. Therefore, it has been classified as a Variant of Uncertain Significance.

Fulgent Genetics
Classification: Uncertain significance for Colorectal cancer; Premature chromatid separation trait; Mosaic variegated aneuploidy syndrome 1. Last evaluated: 2024-01-03. Review status: criteria provided, single submitter. Criteria: ACMG Guidelines, 2015. Collection method: clinical testing. Allele origin: germline.

Institute for Clinical Genetics, University Hospital TU Dresden, University Hospital TU Dresden
Classification: Uncertain significance. Last evaluated: 2021-11-03. Review status: criteria provided, single submitter. Criteria: ACMG Guidelines, 2015. Collection method: clinical testing. Allele origin: germline.

Literature cited by the submitters: PubMed 20516114 (cited by Labcorp Genetics (formerly Invitae), Labcorp); PubMed 34308104 (cited by Labcorp Genetics (formerly Invitae), Labcorp).